The following is an entry in ClinVar:

NM_000152.5(GAA):c.2678C>T (p.Thr893Ile)

Gene: GAA (alpha glucosidase; plus strand). Cytogenetic location: 17q25.3.
Variant type: single nucleotide variant.
Coding change: c.2678C>T on transcript NM_000152.5 (MANE Select); coding-DNA position 2678, C replaced by T.
Protein change: p.Thr893Ile; replaces threonine 893 with isoleucine.
Molecular consequence: missense variant.
Genome position (GRCh38, 1-based): chr17:80,118,684, C>T. VCF-style: chr17-80118684-C-T. GRCh37 (hg19) VCF-style: chr17-78092483-C-T.
Other names: c.2678C>T, p.Thr893Ile (NM_001079803.3, NM_001079804.3, NM_001406741.1 and 1 more transcripts); short protein forms T893I.
Identifiers: ClinVar variation 2418727 (VCV002418727.7), dbSNP rs2510404168, ClinGen allele CA401326732.

ClinVar aggregate classification (germline): Uncertain significance (1 of 4 stars; one submission).

Conditions:
Glycogen storage disease, type II (IOPD). Also called: POMPE DISEASE, INFANTILE-ONSET; GLYCOGEN STORAGE DISEASE II, INFANTILE-ONSET; ACID ALPHA-GLUCOSIDASE DEFICIENCY, INFANTILE-ONSET; GAA DEFICIENCY, INFANTILE-ONSET; ACID MALTASE DEFICIENCY, INFANTILE-ONSET; GLYCOGENOSIS, GENERALIZED, CARDIAC FORM. Identifiers: Orphanet 365, MedGen C0017921, MONDO:0009290, OMIM 232300.

Submission:

Labcorp Genetics (formerly Invitae), Labcorp
Classification: Uncertain significance for Glycogen storage disease, type II. Last evaluated: 2022-02-01. Review status: criteria provided, single submitter. Criteria: Invitae Variant Classification Sherloc (09022015). Collection method: clinical testing. Allele origin: germline.
Comment: Advanced modeling of protein sequence and biophysical properties (such as structural, functional, and spatial information, amino acid conservation, physicochemical variation, residue mobility, and thermodynamic stability) performed at Invitae indicates that this missense variant is not expected to disrupt GAA protein function. In summary, the available evidence is currently insufficient to determine the role of this variant in disease. Therefore, it has been classified as a Variant of Uncertain Significance. This variant has not been reported in the literature in individuals affected with GAA-related conditions. This variant is not present in population databases (gnomAD no frequency). This sequence change replaces threonine, which is neutral and polar, with isoleucine, which is neutral and non-polar, at codon 893 of the GAA protein (p.Thr893Ile).